The following is an entry in ClinVar:

NM_007294.4(BRCA1):c.3457dup (p.Leu1153fs)

Genes: BRCA1 (BRCA1 DNA repair associated; minus strand), LOC126862571 (BRD4-independent group 4 enhancer GRCh37_chr17:41243136-41244335; plus strand). Cytogenetic location: 17q21.31.
Variant type: Duplication.
Coding change: c.3457dup on transcript NM_007294.4 (MANE Select); coding-DNA position 3457, one base duplicated (C; older notation c.3457dupC).
Protein change: p.Leu1153fs; shifts the reading frame from leucine 1153.
Molecular consequence: frameshift variant. On other transcripts: intron variant (135).
Genome position (GRCh38, 1-based): chr17:43,092,074, G duplicated on the plus strand (C on the coding strand, the reverse complement: BRCA1 is on the minus strand); the first of 2 consecutive G bases (chr17:43,092,074-43,092,075); duplicating either gives the same sequence. VCF-style (leftmost placement, unchanged base first): chr17-43092073-A-AG. GRCh37 (hg19) VCF-style: chr17-41244090-A-AG.
Other names: c.3316dup, p.Leu1106fs (NM_001407750.1, NM_001407751.1, NM_001407752.1 and 29 more transcripts); c.3313dup, p.Leu1105fs (NM_001407838.1, NM_001407839.1, NM_001407849.1 and 20 more transcripts); c.3244dup, p.Leu1082fs (NM_001407853.1, NM_001407894.1, NM_001407895.1 and 9 more transcripts); c.3457dup, p.Leu1153fs (NM_001407854.1, NM_001407858.1, NM_001407859.1 and 30 more transcripts); c.3454dup, p.Leu1152fs (NM_001407860.1, NM_001407861.1, NM_001407587.1 and 22 more transcripts); c.3247dup, p.Leu1083fs (NM_001407885.1, NM_001407886.1, NM_001407887.1 and 13 more transcripts); c.3334dup, p.Leu1112fs (NM_001407919.1, NM_001407937.1, NM_001407938.1 and 19 more transcripts); c.3193dup, p.Leu1065fs (NM_001407920.1, NM_001407921.1, NM_001407922.1 and 9 more transcripts); and 41 more; short protein forms L1025fs, L1026fs, L1041fs, L1042fs, L1064fs, L1065fs, L1082fs, L1083fs.
Identifiers: ClinVar variation 4533345 (VCV004533345.1).

ClinVar aggregate classification (germline): Pathogenic (1 of 4 stars; one submission).

Conditions:
Inherited breast cancer and ovarian cancer.

Submission:

Genetics Laboratory, Great Ormond Street Hospital NHS Foundation Trust, North Thames Genomic Laboratory Hub
Classification: Pathogenic for Inherited breast cancer and ovarian cancer. Last evaluated: 2025-10-08. Review status: criteria provided, single submitter. Criteria: CanVIG BRCA Gene Specific V1.22. Collection method: clinical testing. Allele origin: germline. Affected: yes.
Comment: PM2_moderate, PVS1_very-strong, PM5_strong